The following is an entry in ClinVar:

NM_033305.3(VPS13A):c.2823G>A (p.Leu941=)

Gene: VPS13A (vacuolar protein sorting 13 homolog A; plus strand). Cytogenetic location: 9q21.2.
Variant type: single nucleotide variant.
Coding change: c.2823G>A on transcript NM_033305.3 (MANE Select); coding-DNA position 2823, G replaced by A.
Protein change: p.Leu941=; no amino-acid change (leucine 941 retained).
Molecular consequence: synonymous variant.
Genome position (GRCh38, 1-based): chr9:77,276,220, G>A. VCF-style: chr9-77276220-G-A. GRCh37 (hg19) VCF-style: chr9-79891136-G-A.
Other names: c.2823G>A, p.Leu941= (NM_001018037.2, NM_001018038.3, NM_015186.4).
Identifiers: ClinVar variation 1984125 (VCV001984125.4), dbSNP rs780083693, ClinGen allele CA5092042.

ClinVar aggregate classification (germline): Uncertain significance (1 of 4 stars; one submission).

Allele frequency attached by ClinVar (database versions not stated): gnomAD exomes below 0.00001; TOPMed below 0.00001; ExAC 0.00001.
gnomAD v4.1: 2 of 1,599,788 alleles (0.00013%); highest among the groups gnomAD compares: Admixed American, 0.0034%; no homozygotes.

Submission:

Labcorp Genetics (formerly Invitae), Labcorp
Classification: Uncertain significance. Last evaluated: 2022-05-11. Review status: criteria provided, single submitter. Criteria: Invitae Variant Classification Sherloc (09022015). Collection method: clinical testing. Allele origin: germline.
Comment: In summary, the available evidence is currently insufficient to determine the role of this variant in disease. Therefore, it has been classified as a Variant of Uncertain Significance. Algorithms developed to predict the effect of sequence changes on RNA splicing suggest that this variant is not likely to affect RNA splicing. This variant has not been reported in the literature in individuals affected with VPS13A-related conditions. This variant is present in population databases (rs780083693, gnomAD 0.006%). This sequence change affects codon 941 of the VPS13A mRNA. It is a 'silent' change, meaning that it does not change the encoded amino acid sequence of the VPS13A protein. It affects a nucleotide within the consensus splice site.